The following is an entry in ClinVar:

ClinVar aggregate classification (germline): Uncertain significance (1 of 4 stars; one submission).

Conditions:
Inborn genetic diseases. Identifiers: MedGen C0950123, MeSH D030342.

Submission:

Ambry Genetics
Classification: Uncertain significance for Inborn genetic diseases. Last evaluated: 2025-01-09. Review status: criteria provided, single submitter. Criteria: Ambry Variant Classification Scheme 2023. Collection method: clinical testing. Allele origin: germline.
Comment: The p.F1497L variant (also known as c.4489T>C), located in coding exon 1 of the SAMD9L gene, results from a T to C substitution at nucleotide position 4489. The phenylalanine at codon 1497 is replaced by leucine, an amino acid with highly similar properties. This amino acid position is conserved. In addition, this alteration is predicted to be tolerated by in silico analysis. Based on the available evidence, the clinical significance of this variant remains unclear.

NM_152703.5(SAMD9L):c.4489T>C (p.Phe1497Leu)

Gene: SAMD9L (sterile alpha motif domain containing 9 like; minus strand). Cytogenetic location: 7q21.2.
Variant type: single nucleotide variant.
Coding change: c.4489T>C on transcript NM_152703.5 (MANE Select); coding-DNA position 4489, T replaced by C.
Protein change: p.Phe1497Leu; replaces phenylalanine 1497 with leucine.
Molecular consequence: missense variant.
Genome position (GRCh38, 1-based): chr7:93,131,483, A>G on the plus strand (T>C on the coding strand, the complement: SAMD9L is on the minus strand). VCF-style: chr7-93131483-A-G. GRCh37 (hg19) VCF-style: chr7-92760796-A-G.
Other names: c.4489T>C, p.Phe1497Leu (NM_001303496.3, NM_001303497.3, NM_001303498.3 and 5 more transcripts); short protein forms F1497L.
Identifiers: ClinVar variation 3792293 (VCV003792293.1).